The following is an entry in ClinVar:

ClinVar aggregate classification (germline): Pathogenic (1 of 4 stars; one submission).

Conditions:
Fanconi anemia complementation group J. Also called: BRIP1-Related Fanconi Anemia. Identifiers: Orphanet 84, MedGen C1836860, MONDO:0012187, OMIM 609054.
Familial cancer of breast. Also called: BREAST CANCER, FAMILIAL; Hereditary breast cancer; hereditary breast carcinoma. Identifiers: Orphanet 227535, MedGen C0346153, MONDO:0016419, OMIM 114480. Disease mechanism: loss of function.

Submission:

Labcorp Genetics (formerly Invitae), Labcorp
Classification: Pathogenic for Familial cancer of breast; Fanconi anemia complementation group J. Last evaluated: 2024-02-07. Review status: criteria provided, single submitter. Criteria: Invitae Variant Classification Sherloc (09022015). Collection method: clinical testing. Allele origin: germline.
Comment: This sequence change creates a premature translational stop signal (p.His478Thrfs*48) in the BRIP1 gene. It is expected to result in an absent or disrupted protein product. Loss-of-function variants in BRIP1 are known to be pathogenic (PMID: 16116423, 17033622, 21964575). This variant is not present in population databases (gnomAD no frequency). This variant has not been reported in the literature in individuals affected with BRIP1-related conditions. For these reasons, this variant has been classified as Pathogenic.

Literature cited by the submitters: PubMed 16116423; PubMed 17033622; PubMed 21964575.

NM_032043.3(BRIP1):c.1432del (p.His478fs)

Gene: BRIP1 (BRCA1 interacting DNA helicase 1; minus strand). Cytogenetic location: 17q23.2.
Variant type: Deletion.
Coding change: c.1432del on transcript NM_032043.3 (MANE Select); coding-DNA position 1432, one base deleted (C; older notation c.1432delC).
Protein change: p.His478fs; shifts the reading frame from histidine 478.
Molecular consequence: frameshift variant.
Genome position (GRCh38, 1-based): chr17:61,793,638, G deleted on the plus strand (C on the coding strand, the reverse complement: BRIP1 is on the minus strand). VCF-style (leftmost placement, unchanged base first): chr17-61793637-TG-T. GRCh37 (hg19) VCF-style: chr17-59870998-TG-T.
Other names: short protein forms H478fs.
Identifiers: ClinVar variation 3754476 (VCV003754476.2).
Genomic context (GRCh38, chr17:61,793,637, plus strand): 5'-AGGTAGAAAAAATATCTTACCTGCAAAATGGGAAAAGTAGCAGTGGTGATACCCATTTTG[TG>T]TAAAGTTAAGAGCATTTCATTTCCACTCCATATTTTACAAGCTGATTCATAATCTCTTTC-3'